The following is an entry in ClinVar:

NM_012418.4(FSCN2):c.1425C>A (p.Gly475=)

Gene: FSCN2 (fascin actin-bundling protein 2, retinal; plus strand). Cytogenetic location: 17q25.3.
Variant type: single nucleotide variant.
Coding change: c.1425C>A on transcript NM_012418.4 (MANE Select); coding-DNA position 1425, C replaced by A.
Protein change: p.Gly475=; no amino-acid change (glycine 475 retained).
Molecular consequence: synonymous variant.
Genome position (GRCh38, 1-based): chr17:81,537,026, C>A. VCF-style: chr17-81537026-C-A. GRCh37 (hg19) VCF-style: chr17-79504052-C-A.
Other names: c.1497C>A, p.Gly499= (NM_001077182.3).
Identifiers: ClinVar variation 93506 (VCV000093506.19), dbSNP rs398123553, ClinGen allele CA221456.

ClinVar aggregate classification (germline): Benign. Review status: criteria provided, multiple submitters, no conflicts (2 of 4 stars). 4 submissions from 4 submitters: Benign (3). 1 of the submissions does not count toward it. Last evaluated 2026-01-26.

Conditions:
FSCN2-related disorder. Also called: FSCN2-related condition.

Allele frequency attached by ClinVar (database versions not stated): gnomAD 0.00461 and 0.00488; 1000 Genomes Project 30x 0.00500; ExAC 0.00087; TOPMed 0.00502; 1000 Genomes Project 0.00519.
gnomAD v4.1: 1,258 of 1,498,134 alleles (0.084%); highest among the groups gnomAD compares: African/African-American, 1.6%; 19 homozygotes.

Submissions (4):

Labcorp Genetics (formerly Invitae), Labcorp
Classification: Benign. Last evaluated: 2026-01-26. Review status: criteria provided, single submitter. Criteria: Invitae Variant Classification Sherloc (09022015). Collection method: clinical testing. Allele origin: germline.

Eurofins Ntd Llc (ga)
Classification: Benign. Last evaluated: 2013-08-14. Review status: criteria provided, single submitter. Criteria: EGL Classification Definitions 2015. Collection method: clinical testing. Allele origin: germline. Observed: 2 variant alleles, 2 heterozygotes.

Breakthrough Genomics
Classification: Benign. Review status: criteria provided, single submitter. Criteria: ACMG Guidelines, 2015. Collection method: not provided. Allele origin: germline. Inheritance: Unknown mechanism. Affected: yes.

PreventionGenetics, part of Exact Sciences
Classification: Benign for FSCN2-related condition. Last evaluated: 2024-07-16. Review status: no assertion criteria provided. Collection method: clinical testing. Allele origin: germline. Not counted in ClinVar's aggregate classification.
Comment: This variant is classified as benign based on ACMG/AMP sequence variant interpretation guidelines (Richards et al. 2015 PMID: 25741868, with internal and published modifications).